The following is an entry in ClinVar:

ClinVar aggregate classification (germline): Uncertain significance. Review status: criteria provided, multiple submitters, no conflicts (2 of 4 stars). 2 submissions from 2 submitters: Uncertain significance (2). Last evaluated 2025-04-17.

Conditions:
Inborn genetic diseases. Identifiers: MedGen C0950123, MeSH D030342.

Submissions (2):

Ambry Genetics
Classification: Uncertain significance for Inborn genetic diseases. Last evaluated: 2025-04-17. Review status: criteria provided, single submitter. Criteria: Ambry Variant Classification Scheme 2023. Collection method: clinical testing. Allele origin: germline.
Comment: The p.P77Q variant (also known as c.230C>A), located in coding exon 1 of the KDM1A gene, results from a C to A substitution at nucleotide position 230. The proline at codon 77 is replaced by glutamine, an amino acid with similar properties. This amino acid position is conserved. In addition, this alteration is predicted to be tolerated by in silico analysis. Based on the available evidence, the clinical significance of this variant remains unclear.

GeneDx
Classification: Uncertain significance. Last evaluated: 2019-11-11. Review status: criteria provided, single submitter. Criteria: GeneDx Variant Classification Process June 2021. Collection method: clinical testing. Allele origin: germline. Affected: yes.
Comment: Not observed in large population cohorts (Lek et al., 2016); In silico analysis, which includes protein predictors and evolutionary conservation, supports that this variant does not alter protein structure/function; Has not been previously published as pathogenic or benign to our knowledge

NM_001009999.3(KDM1A):c.230C>A (p.Pro77Gln)

Gene: KDM1A (lysine demethylase 1A; plus strand). Cytogenetic location: 1p36.12.
Variant type: single nucleotide variant.
Coding change: c.230C>A on transcript NM_001009999.3 (MANE Select); coding-DNA position 230, C replaced by A.
Protein change: p.Pro77Gln; replaces proline 77 with glutamine.
Molecular consequence: missense variant.
Genome position (GRCh38, 1-based): chr1:23,019,826, C>A. VCF-style: chr1-23019826-C-A. GRCh37 (hg19) VCF-style: chr1-23346319-C-A.
Other names: c.230C>A, p.Pro77Gln (NM_001363654.2, NM_015013.4); short protein forms P77Q.
Identifiers: ClinVar variation 451575 (VCV000451575.4), dbSNP rs1319480409, ClinGen allele CA338951750.